The following is an entry in ClinVar:

ClinVar aggregate classification (germline): Likely benign. Review status: criteria provided, multiple submitters, no conflicts (2 of 4 stars). 3 submissions from 3 submitters: Likely benign (2). 1 of the submissions does not count toward it. Last evaluated 2025-02-06.

Conditions:
Cholestanol storage disease (CTX). Also called: Cerebrotendinous Xanthomatosis; CEREBRAL CHOLESTERINOSIS; CTX: Cerebrotendinous xanthomatosis. Identifiers: Orphanet 909, MedGen C0238052, MONDO:0008948, OMIM 213700.
Cardiovascular phenotype. Identifiers: MedGen CN230736.
CYP27A1-related disorder. Also called: CYP27A1-related condition.

gnomAD v4.1: 1 of 1,614,066 alleles (0.000062%); highest among the groups gnomAD compares: Non-Finnish European, 0.000085%; no homozygotes.

Submissions (3):

Ambry Genetics
Classification: Likely benign for Cardiovascular phenotype. Last evaluated: 2025-02-06. Review status: criteria provided, single submitter. Criteria: Ambry Variant Classification Scheme 2023. Collection method: clinical testing. Allele origin: germline.

Labcorp Genetics (formerly Invitae), Labcorp
Classification: Likely benign for Cholestanol storage disease. Last evaluated: 2023-07-19. Review status: criteria provided, single submitter. Criteria: Invitae Variant Classification Sherloc (09022015). Collection method: clinical testing. Allele origin: germline.

PreventionGenetics, part of Exact Sciences
Classification: Likely benign for CYP27A1-related condition. Last evaluated: 2021-10-20. Review status: no assertion criteria provided. Collection method: clinical testing. Allele origin: germline. Not counted in ClinVar's aggregate classification.
Comment: This variant is classified as likely benign based on ACMG/AMP sequence variant interpretation guidelines (Richards et al. 2015 PMID: 25741868, with internal and published modifications).

NM_000784.4(CYP27A1):c.396A>G (p.Leu132=)

Gene: CYP27A1 (cytochrome P450 family 27 subfamily A member 1; plus strand). Cytogenetic location: 2q35.
Variant type: single nucleotide variant.
Coding change: c.396A>G on transcript NM_000784.4 (MANE Select); coding-DNA position 396, A replaced by G.
Protein change: p.Leu132=; no amino-acid change (leucine 132 retained).
Molecular consequence: synonymous variant.
Genome position (GRCh38, 1-based): chr2:218,809,717, A>G. VCF-style: chr2-218809717-A-G. GRCh37 (hg19) VCF-style: chr2-219674440-A-G.
Other names: c.396A>G (NM_000784.3).
Identifiers: ClinVar variation 3014794 (VCV003014794.6), dbSNP rs2470223635, ClinGen allele CA431233731.